The following is an entry in ClinVar:

ClinVar aggregate classification (germline): Pathogenic (1 of 4 stars; one submission).

Submission:

Labcorp Genetics (formerly Invitae), Labcorp
Classification: Pathogenic. Last evaluated: 2021-10-28. Review status: criteria provided, single submitter. Criteria: Invitae Variant Classification Sherloc (09022015). Collection method: clinical testing. Allele origin: germline.
Comment: This sequence change creates a premature translational stop signal (p.Trp312*) in the PORCN gene. It is expected to result in an absent or disrupted protein product. Loss-of-function variants in PORCN are known to be pathogenic (PMID: 17546030, 19309688). This variant is not present in population databases (gnomAD no frequency). This premature translational stop signal has been observed in individual(s) with focal dermal hypoplasia (PMID: 19309688). Algorithms developed to predict the effect of sequence changes on RNA splicing suggest that this variant may create or strengthen a splice site. For these reasons, this variant has been classified as Pathogenic.

Literature cited by the submitters: PubMed 17546030; PubMed 19309688.

NM_203475.3(PORCN):c.935G>A (p.Trp312Ter)

Gene: PORCN (porcupine O-acyltransferase; plus strand). Cytogenetic location: Xp11.23.
Variant type: single nucleotide variant.
Coding change: c.935G>A on transcript NM_203475.3 (MANE Select); coding-DNA position 935, G replaced by A.
Protein change: p.Trp312Ter; replaces tryptophan 312 with a stop codon.
Molecular consequence: nonsense.
Genome position (GRCh38, 1-based): chrX:48,514,614, G>A. VCF-style: chrX-48514614-G-A. GRCh37 (hg19) VCF-style: chrX-48373002-G-A.
Other names: c.689G>A, p.Trp230Ter (NM_001282167.2); c.902G>A, p.Trp301Ter (NM_022825.4); c.920G>A, p.Trp307Ter (NM_203473.3); c.917G>A, p.Trp306Ter (NM_203474.1); short protein forms W312*, W230*, W307*, W301*, W306*.
Identifiers: ClinVar variation 1410449 (VCV001410449.6), dbSNP rs2147131609, ClinGen allele CA412847316.